The following is an entry in ClinVar:

NM_021116.4(ADCY1):c.2818G>A (p.Ala940Thr)

Gene: ADCY1 (adenylate cyclase 1; plus strand). Cytogenetic location: 7p12.3.
Variant type: single nucleotide variant.
Coding change: c.2818G>A on transcript NM_021116.4 (MANE Select); coding-DNA position 2818, G replaced by A.
Protein change: p.Ala940Thr; replaces alanine 940 with threonine.
Molecular consequence: missense variant.
Genome position (GRCh38, 1-based): chr7:45,708,350, G>A. VCF-style: chr7-45708350-G-A. GRCh37 (hg19) VCF-style: chr7-45747949-G-A.
Other names: short protein forms A940T.
Identifiers: ClinVar variation 667035 (VCV000667035.18), dbSNP rs45444695, ClinGen allele CA4249369.
Genomic context (GRCh38, chr7:45,708,350, plus strand): 5'-CCCTGGCCCCCTCTTGCCTTGCACTCCCCAGATGTAATGACCCCATCTGTTTACACCTAG[G>A]CTAAGAAGTCCATCTCCTCCCACCTGAGCACGCTGGCGGACTTTGCCATTGAGATGTTTG-3'
Protein context (NP_066939.1, residues 930-950): VGLAPTSGTK[Ala940Thr]KKSISSHLST

ClinVar aggregate classification (germline): Benign. Review status: criteria provided, multiple submitters, no conflicts (2 of 4 stars). 6 submissions from 6 submitters: Benign (5). 1 of the submissions does not count toward it. Last evaluated 2026-01-29.

Conditions:
ADCY1-related disorder. Also called: ADCY1-related condition.

Allele frequency attached by ClinVar (database versions not stated): 1000 Genomes Project 0.00859; 1000 Genomes Project 30x 0.00874; gnomAD 0.00967 and 0.00973; ESP Exome Variant Server 0.01038; ExAC 0.01054; TOPMed 0.01087; gnomAD exomes 0.01101.

Submissions (6):

Labcorp Genetics (formerly Invitae), Labcorp
Classification: Benign. Last evaluated: 2026-01-29. Review status: criteria provided, single submitter. Criteria: Invitae Variant Classification Sherloc (09022015). Collection method: clinical testing. Allele origin: germline.

Mayo Clinic Laboratories, Mayo Clinic
Classification: Benign. Last evaluated: 2021-08-20. Review status: criteria provided, single submitter. Criteria: ACMG Guidelines, 2015. Collection method: clinical testing. Allele origin: germline. Observed: 5 variant alleles.

GeneDx
Classification: Benign. Last evaluated: 2020-01-17. Review status: criteria provided, single submitter. Criteria: GeneDx Variant Classification Process June 2021. Collection method: clinical testing. Allele origin: germline. Affected: yes.

Athena Diagnostics
Classification: Benign. Last evaluated: 2018-11-26. Review status: criteria provided, single submitter. Criteria: Athena Diagnostics Criteria. Collection method: clinical testing. Allele origin: germline.

Laboratory for Molecular Medicine, Mass General Brigham Personalized Medicine
Classification: Benign. Last evaluated: 2017-08-23. Review status: criteria provided, single submitter. Criteria: LMM Criteria. Collection method: clinical testing. Allele origin: germline. Observed: 9 variant alleles.
Comment: p.Ala940Thr in exon 18 of ADCY1: This variant is not expected to have clinical s ignificance because it has been identified in 1.52% (1011/66380) of European chr omosomes by the Exome Aggregation Consortium (ExAC, rg; dbSNP rs45444695).

PreventionGenetics, part of Exact Sciences
Classification: Benign for ADCY1-related condition. Last evaluated: 2019-08-07. Review status: no assertion criteria provided. Collection method: clinical testing. Allele origin: germline. Not counted in ClinVar's aggregate classification.
Comment: This variant is classified as benign based on ACMG/AMP sequence variant interpretation guidelines (Richards et al. 2015 PMID: 25741868, with internal and published modifications).